The following is an entry in ClinVar:

NM_001128178.3(NPHP1):c.1039del (p.Val347fs)

Gene: NPHP1 (nephrocystin 1; minus strand). Cytogenetic location: 2q13.
Variant type: Deletion.
Coding change: c.1039del on transcript NM_001128178.3 (MANE Select); coding-DNA position 1039, one base deleted (G; older notation c.1039delG).
Protein change: p.Val347fs; shifts the reading frame from valine 347.
Molecular consequence: frameshift variant.
Genome position (GRCh38, 1-based): chr2:110,160,171, C deleted on the plus strand (G on the coding strand, the reverse complement: NPHP1 is on the minus strand); the first of 2 consecutive C bases (chr2:110,160,171-110,160,172); deleting either gives the same sequence. VCF-style (leftmost placement, unchanged base first): chr2-110160170-AC-A. GRCh37 (hg19) VCF-style: chr2-110917747-AC-A.
Other names: c.1207del, p.Val403fs (NM_000272.5); c.850del, p.Val284fs (NM_001128179.3); c.1036del, p.Val346fs (NM_001374256.1); c.1039del, p.Val347fs (NM_001374257.1); c.1204del, p.Val402fs (NM_207181.4); short protein forms V347fs, V284fs, V402fs, V346fs, V403fs.
Identifiers: ClinVar variation 2866854 (VCV002866854.3), dbSNP rs2467333098, ClinGen allele CA2739271191.

ClinVar aggregate classification (germline): Pathogenic (1 of 4 stars; one submission).

Conditions:
Nephronophthisis. Also called: Juvenile Nephronophthisis. Identifiers: Orphanet 655, MedGen C0687120, MONDO:0019005, HP:0000090.

Submission:

Labcorp Genetics (formerly Invitae), Labcorp
Classification: Pathogenic for Nephronophthisis. Last evaluated: 2023-06-03. Review status: criteria provided, single submitter. Criteria: Invitae Variant Classification Sherloc (09022015). Collection method: clinical testing. Allele origin: germline.
Comment: For these reasons, this variant has been classified as Pathogenic. This variant has not been reported in the literature in individuals affected with NPHP1-related conditions. This variant is not present in population databases (gnomAD no frequency). This sequence change creates a premature translational stop signal (p.Val403Phefs*17) in the NPHP1 gene. It is expected to result in an absent or disrupted protein product. Loss-of-function variants in NPHP1 are known to be pathogenic (PMID: 23559409).

Literature cited by the submitters: PubMed 23559409.